The following is an entry in ClinVar:

NM_017415.3(KLHL3):c.1019C>T (p.Ala340Val)

Gene: KLHL3 (kelch like family member 3; minus strand). Cytogenetic location: 5q31.2.
Variant type: single nucleotide variant.
Coding change: c.1019C>T on transcript NM_017415.3 (MANE Select); coding-DNA position 1019, C replaced by T.
Protein change: p.Ala340Val; replaces alanine 340 with valine.
Molecular consequence: missense variant.
Genome position (GRCh38, 1-based): chr5:137,639,862, G>A on the plus strand (C>T on the coding strand, the complement: KLHL3 is on the minus strand). VCF-style: chr5-137639862-G-A. GRCh37 (hg19) VCF-style: chr5-136975551-G-A.
Other names: c.923C>T, p.Ala308Val (NM_001257194.1); c.773C>T, p.Ala258Val (NM_001257195.2); short protein forms A340V, A258V, A308V.
Identifiers: ClinVar variation 100530 (VCV000100530.10), dbSNP rs199469628, ClinGen allele CA269971.
Genomic context (GRCh38, chr5:137,639,862, plus strand): 5'-GGCACGGAGTGGGGACCAGCAGGGGAAAAACAGCTTGCAGAACTGGGAGGCTGCTCACCT[G>A]CTCTGCATCTTCTGGAAGGAAGCTCAGCAATCTGATCCCACCGGTCCTCCTCGAAATCAT-3'
Protein context (NP_059111.2, residues 330-350): IAELPSRRCR[Ala340Val]GVVFMAGHVY

ClinVar aggregate classification (germline): Uncertain significance. Review status: criteria provided, multiple submitters, no conflicts (2 of 4 stars). 4 submissions from 4 submitters: Uncertain significance (3). 1 of the submissions does not count toward it. Last evaluated 2024-04-23.

Conditions:
Pseudohypoaldosteronism type 2D (PHA2D). Also called: FAMILIAL HYPERKALEMIC HYPERTENSION; PSEUDOHYPOALDOSTERONISM, TYPE IID, AUTOSOMAL DOMINANT OR RECESSIVE; Pseudohypoaldosteronism Type IID. Identifiers: Orphanet 300525, Orphanet 757, MedGen C3469605, MONDO:0013781, OMIM 614495.
Pseudohypoaldosteronism type 2A (PHA2A). Also called: GORDON HYPERKALEMIA-HYPERTENSION SYNDROME; HYPERTENSIVE HYPERKALEMIA, FAMILIAL. Identifiers: Orphanet 757, Orphanet 88938, MedGen C1840389, MONDO:0007772, OMIM 145260.

Allele frequency attached by ClinVar (database versions not stated): gnomAD exomes below 0.00001; ExAC 0.00001; TOPMed 0.00001.

Submissions (4):

Fulgent Genetics
Classification: Uncertain significance for Pseudohypoaldosteronism type 2D. Last evaluated: 2024-04-23. Review status: criteria provided, single submitter. Criteria: ACMG Guidelines, 2015. Collection method: clinical testing. Allele origin: germline.

Labcorp Genetics (formerly Invitae), Labcorp
Classification: Uncertain significance. Last evaluated: 2023-01-25. Review status: criteria provided, single submitter. Criteria: Invitae Variant Classification Sherloc (09022015). Collection method: clinical testing. Allele origin: germline.
Comment: Algorithms developed to predict the effect of missense changes on protein structure and function are either unavailable or do not agree on the potential impact of this missense change (SIFT: "Deleterious"; PolyPhen-2: "Possibly Damaging"; Align-GVGD: "Class C0"). ClinVar contains an entry for this variant (Variation ID: 100530). This missense change has been observed in individual(s) with autosomal dominant Gordon's syndrome (PMID: 22266938). This variant is present in population databases (rs199469628, gnomAD 0.003%). This sequence change replaces alanine, which is neutral and non-polar, with valine, which is neutral and non-polar, at codon 340 of the KLHL3 protein (p.Ala340Val). Experimental studies have shown that this missense change does not substantially affect KLHL3 function (PMID: 23387299). Algorithms developed to predict the effect of sequence changes on RNA splicing suggest that this variant may create or strengthen a splice site. In summary, the available evidence is currently insufficient to determine the role of this variant in disease. Therefore, it has been classified as a Variant of Uncertain Significance.

GeneDx
Classification: Uncertain significance. Last evaluated: 2019-01-09. Review status: criteria provided, single submitter. Criteria: GeneDx Variant Classification Process June 2021. Collection method: clinical testing. Allele origin: germline. Affected: yes.
Comment: In silico analysis, which includes protein predictors and evolutionary conservation, supports a deleterious effect; Not observed at a significant frequency in large population cohorts (Lek et al., 2016); Functional studies demonstrated that A340V shows binding to Cullin 3 and WNK1 that is similar to wild type KLHL3 protein (Ohta et al., 2013); This variant is associated with the following publications: (PMID: 22266938, 23387299, 24641320, 24266877)

Richard Lifton Laboratory, Yale University School of Medicine
Classification: Pathogenic for Pseudohypoaldosteronism, type 2. Review status: no assertion criteria provided. Collection method: not provided. Allele origin: germline. Not counted in ClinVar's aggregate classification.
Comment: dominant;Kelch propeller domain
ClinVar note: Converted during submission from pathogenic to Pathogenic.

Literature cited by the submitters: PubMed 22266938 (cited by Labcorp Genetics (formerly Invitae), Labcorp); PubMed 23387299 (cited by Labcorp Genetics (formerly Invitae), Labcorp).